The following is an entry in ClinVar:

NM_000396.4(CTSK):c.784+1G>T

Gene: CTSK (cathepsin K; minus strand). Cytogenetic location: 1q21.3.
Variant type: single nucleotide variant.
Coding change: c.784+1G>T on transcript NM_000396.4 (MANE Select); the canonical splice donor site of the intron after coding-DNA position 784, G replaced by T.
Molecular consequence: splice donor variant.
Genome position (GRCh38, 1-based): chr1:150,799,543, C>A on the plus strand (G>T on the coding strand, the complement: CTSK is on the minus strand). VCF-style: chr1-150799543-C-A. GRCh37 (hg19) VCF-style: chr1-150772019-C-A.
Identifiers: ClinVar variation 4881805 (VCV004881805.2).

ClinVar aggregate classification (germline): Likely pathogenic (1 of 4 stars; one submission).

Conditions:
Pyknodysostosis. Also called: Pycnodysostosis. Identifiers: Orphanet 763, MedGen C0238402, MONDO:0009940, OMIM 265800.

Submission:

Dasa
Classification: Likely pathogenic for pycnodysostosis. Last evaluated: 2026-04-18. Review status: criteria provided, single submitter. Criteria: DASA Assertion Criteria. Collection method: clinical testing. Allele origin: germline.
Comment: NM_000396.4(CTSK):c.784+1G>T affects a canonical splice site and is predicted to disrupt normal RNA splicing. Loss of function is an established disease mechanism for CTSK-associated disorders. Also, this variant is absent from population databases. Based on the currently available evidence, this variant is classified as likely pathogenic.